The following is an entry in ClinVar:

NM_012120.3(CD2AP):c.-267G>A

Genes: CD2AP (CD2 associated protein; plus strand), CD2AP-DT (CD2AP divergent transcript; minus strand), LOC129996604 (ATAC-STARR-seq lymphoblastoid silent region 17275; plus strand). Cytogenetic location: 6p12.3.
Variant type: single nucleotide variant.
Coding change: c.-267G>A on transcript NM_012120.3 (MANE Select); 267 bases upstream of the start codon, G replaced by A.
Molecular consequence: 5 prime UTR variant.
Genome position (GRCh38, 1-based): chr6:47,477,978, G>A. VCF-style: chr6-47477978-G-A. GRCh37 (hg19) VCF-style: chr6-47445714-G-A.
Identifiers: ClinVar variation 357155 (VCV000357155.5), dbSNP rs532229799, ClinGen allele CA10624203.

ClinVar aggregate classification (germline): Benign (1 of 4 stars; one submission).

Conditions:
Focal segmental glomerulosclerosis 3, susceptibility to (FSGS3). Identifiers: Orphanet 656, MedGen C1842982, MONDO:0011917, OMIM 607832.

Allele frequency attached by ClinVar (database versions not stated): gnomAD 0.00049; TOPMed 0.00063; 1000 Genomes Project 0.00160; gnomAD exomes 0.00175; 1000 Genomes Project 30x 0.00187.
gnomAD v4.1: 822 of 561,740 alleles (0.15%); highest among the groups gnomAD compares: South Asian, 1.1%; 10 homozygotes.

Submission:

Illumina Laboratory Services, Illumina
Classification: Benign for Focal segmental glomerulosclerosis 3, susceptibility to. Last evaluated: 2018-01-13. Review status: criteria provided, single submitter. Criteria: ICSL Variant Classification Criteria 13 December 2019. Collection method: clinical testing. Allele origin: germline.
Comment: This variant was observed in the ICSL laboratory as part of a predisposition screen in an ostensibly healthy population. It had not been previously curated by ICSL or reported in the Human Gene Mutation Database (HGMD: prior to June 1st, 2018), and was therefore a candidate for classification through an automated scoring system. Utilizing variant allele frequency, disease prevalence and penetrance estimates, and inheritance mode, an automated score was calculated to assess if this variant is too frequent to cause the disease. Based on the score and internal cut-off values, a variant classified as benign is not then subjected to further curation. The score for this variant resulted in a classification of benign for this disease.